The following is an entry in ClinVar:

ClinVar aggregate classification (germline): Uncertain significance (1 of 4 stars; one submission).

Conditions:
SEMA3C-related disorder. Also called: SEMA3C-related condition.

gnomAD v4.1: 20 of 1,613,866 alleles (0.0012%); highest among the groups gnomAD compares: Non-Finnish European, 0.001%; no homozygotes.

Submission:

PreventionGenetics, part of Exact Sciences
Classification: Uncertain significance for SEMA3C-related condition. Last evaluated: 2025-09-03. Review status: criteria provided, single submitter. Criteria: ACMG Guidelines, 2015. Collection method: clinical testing. Allele origin: germline.
Comment: The SEMA3C c.1952T>C variant is predicted to result in the amino acid substitution p.Val651Ala. To our knowledge, this variant has not been reported in the literature. This variant is reported in 0.012% of alleles in individuals of European (Finnish) descent in gnomAD. At this time, the clinical significance of this variant is uncertain due to the absence of conclusive functional and genetic evidence.

NM_006379.5(SEMA3C):c.1898T>C (p.Val633Ala)

Gene: SEMA3C (semaphorin 3C; minus strand). Cytogenetic location: 7q21.11.
Variant type: single nucleotide variant.
Coding change: c.1898T>C on transcript NM_006379.5 (MANE Select); coding-DNA position 1898, T replaced by C.
Protein change: p.Val633Ala; replaces valine 633 with alanine.
Molecular consequence: missense variant.
Genome position (GRCh38, 1-based): chr7:80,745,252, A>G on the plus strand (T>C on the coding strand, the complement: SEMA3C is on the minus strand). VCF-style: chr7-80745252-A-G. GRCh37 (hg19) VCF-style: chr7-80374568-A-G.
Other names: c.1952T>C, p.Val651Ala (NM_001350120.2); c.1724T>C, p.Val575Ala (NM_001350121.2); short protein forms V633A, V575A, V651A.
Identifiers: ClinVar variation 4995218 (VCV004995218.1).